The following is an entry in ClinVar:

NM_001009999.3(KDM1A):c.151G>A (p.Gly51Arg)

Gene: KDM1A (lysine demethylase 1A; plus strand). Cytogenetic location: 1p36.12.
Variant type: single nucleotide variant.
Coding change: c.151G>A on transcript NM_001009999.3 (MANE Select); coding-DNA position 151, G replaced by A.
Protein change: p.Gly51Arg; replaces glycine 51 with arginine.
Molecular consequence: missense variant.
Genome position (GRCh38, 1-based): chr1:23,019,747, G>A. VCF-style: chr1-23019747-G-A. GRCh37 (hg19) VCF-style: chr1-23346240-G-A.
Other names: c.151G>A, p.Gly51Arg (NM_001363654.2, NM_001410762.1, NM_001410763.1 and 1 more transcripts); short protein forms G51R.
Identifiers: ClinVar variation 3863243 (VCV003863243.1).
Genomic context (GRCh38, chr1:23,019,747, plus strand): 5'-TCCGAGAACGGGTCTGAGGTGGCCGCGCAGCCCGCGGGCCTGTCGGGCCCAGCCGAGGTC[G>A]GGCCGGGGGCGGTGGGGGAGCGCACACCCCGCAAGAAAGAGCCTCCGCGGGCCTCGCCCC-3'
Protein context (NP_001009999.1, residues 41-61): PAGLSGPAEV[Gly51Arg]PGAVGERTPR

ClinVar aggregate classification (germline): Uncertain significance (1 of 4 stars; one submission).

Conditions:
Inborn genetic diseases. Identifiers: MedGen C0950123, MeSH D030342.

Submission:

Ambry Genetics
Classification: Uncertain significance for Inborn genetic diseases. Last evaluated: 2025-01-03. Review status: criteria provided, single submitter. Criteria: Ambry Variant Classification Scheme 2023. Collection method: clinical testing. Allele origin: germline.
Comment: The p.G51R variant (also known as c.151G>A), located in coding exon 1 of the KDM1A gene, results from a G to A substitution at nucleotide position 151. The glycine at codon 51 is replaced by arginine, an amino acid with dissimilar properties. This amino acid position is conserved. In addition, this alteration is predicted to be tolerated by in silico analysis. Based on the available evidence, the clinical significance of this variant remains unclear.